The following is an entry in ClinVar:

NM_000543.5(SMPD1):c.107_116delinsCGC (p.Val36fs)

Gene: SMPD1 (sphingomyelin phosphodiesterase 1; plus strand). Cytogenetic location: 11p15.4.
Variant type: Indel.
Coding change: c.107_116delinsCGC on transcript NM_000543.5 (MANE Select); coding-DNA positions 107 to 116, TGCTGGCGCT replaced by CGC.
Protein change: p.Val36fs; shifts the reading frame from valine 36.
Molecular consequence: frameshift variant. On other transcripts: non-coding transcript variant (2), 5 prime UTR variant (1).
Genome position (GRCh38, 1-based): chr11:6,390,705-6,390,714, TGCTGGCGCT replaced by CGC. VCF-style: chr11-6390705-TGCTGGCGCT-CGC. GRCh37 (hg19) VCF-style: chr11-6411935-TGCTGGCGCT-CGC.
Other names: c.107_116delinsCGC, p.Val36fs (NM_001365135.2, NM_001007593.3, NM_001318087.2); c.-855_-846delinsCGC (NM_001318088.2); short protein forms V36fs.
Identifiers: ClinVar variation 813474 (VCV000813474.6), dbSNP rs1590735307, ClinGen allele CA915947959.

ClinVar aggregate classification (germline): Likely pathogenic. Review status: criteria provided, multiple submitters, no conflicts (2 of 4 stars). 5 submissions from 5 submitters: Likely pathogenic (4). 1 of the submissions does not count toward it. Last evaluated 2024-03-25.

Conditions:
Niemann-Pick disease, type A. Also called: SPHINGOMYELIN LIPIDOSIS; SPHINGOMYELINASE DEFICIENCY; Infantile Neurovisceral ASMD (Niemann-Pick Disease Type A; NPD-A). Identifiers: Orphanet 77292, MedGen C0268242, MONDO:0009756, OMIM 257200. Disease mechanism: loss of function.
Niemann-Pick disease, type B. Also called: Chronic Visceral ASMD (Niemann-Pick Disease Type B; NPD-B). Identifiers: Orphanet 77293, MedGen C0268243, MONDO:0011871, OMIM 607616. Disease mechanism: loss of function.
Sphingomyelin/cholesterol lipidosis. Also called: Niemann-Pick disease. Identifiers: MedGen C0028064, MONDO:0001982.
SMPD1-related disorder. Also called: SMPD1-related condition.

Submissions (5):

Baylor Genetics
Classification: Likely pathogenic for Niemann-Pick disease, type A. Last evaluated: 2024-03-25. Review status: criteria provided, single submitter. Criteria: ACMG Guidelines, 2015. Collection method: clinical testing. Allele origin: unknown.

Fulgent Genetics
Classification: Likely pathogenic for Niemann-Pick disease, type A; Niemann-Pick disease, type B. Last evaluated: 2024-01-20. Review status: criteria provided, single submitter. Criteria: ACMG Guidelines, 2015. Collection method: clinical testing. Allele origin: germline.

Blueprint Genetics
Classification: Likely pathogenic for SMPD1-related disorders. Last evaluated: 2023-11-10. Review status: criteria provided, single submitter. Criteria: ACMG Guidelines, 2015. Collection method: clinical testing. Allele origin: germline. Affected: yes. Observed: 1 variant allele.

Women's Health and Genetics/Laboratory Corporation of America, LabCorp
Classification: Likely pathogenic for Sphingomyelin/cholesterol lipidosis. Last evaluated: 2022-10-05. Review status: criteria provided, single submitter. Criteria: LabCorp Variant Classification Summary - May 2015. Collection method: clinical testing. Allele origin: germline.
Comment: Variant summary: SMPD1 c.107_116delinsCGC (p.Val36AlafsX39) results in a premature termination codon, predicted to cause a truncation of the encoded protein or absence of the protein due to nonsense mediated decay, which are commonly known mechanisms for disease . Truncations downstream of this position have been classified as pathogenic by our laboratory and several truncations have been associated with Niemann-Pick disease in HGMD. The variant was absent in 260806 control chromosomes (gnomAD). To our knowledge, no occurrence of c.107_116delinsCGC in individuals affected with Niemann-Pick Disease and no experimental evidence demonstrating its impact on protein function have been reported. No clinical diagnostic laboratories have submitted clinical-significance assessments for this variant to ClinVar after 2014. Based on the evidence outlined above, the variant was classified as likely pathogenic.

PreventionGenetics, part of Exact Sciences
Classification: Pathogenic for SMPD1-related condition. Last evaluated: 2024-08-05. Review status: no assertion criteria provided. Collection method: clinical testing. Allele origin: germline. Not counted in ClinVar's aggregate classification.
Comment: The SMPD1 c.107_116delinsCGC variant is predicted to result in a frameshift and premature protein termination (p.Val36Alafs*39). To our knowledge, this variant has not been reported in the literature or in a large population database, indicating this variant is rare. Frameshift variants in SMPD1 are expected to be pathogenic. This variant is interpreted as pathogenic.